The following is an entry in ClinVar:

NM_003998.4(NFKB1):c.2383G>C (p.Glu795Gln)

Gene: NFKB1 (nuclear factor kappa B subunit 1; plus strand). Cytogenetic location: 4q24.
Variant type: single nucleotide variant.
Coding change: c.2383G>C on transcript NM_003998.4 (MANE Select); coding-DNA position 2383, G replaced by C.
Protein change: p.Glu795Gln; replaces glutamic acid 795 with glutamine.
Molecular consequence: missense variant.
Genome position (GRCh38, 1-based): chr4:102,612,074, G>C. VCF-style: chr4-102612074-G-C. GRCh37 (hg19) VCF-style: chr4-103533231-G-C.
Other names: c.2380G>C, p.Glu794Gln (NM_001165412.2, NM_001319226.2, NM_001382627.1); c.2383G>C, p.Glu795Gln (NM_001382625.1, NM_001382626.1); c.2341G>C, p.Glu781Gln (NM_001382628.1); short protein forms E781Q, E794Q, E795Q.
Identifiers: ClinVar variation 1717399 (VCV001717399.5), dbSNP rs2476582114, ClinGen allele CA357754459.
Genomic context (GRCh38, chr4:102,612,074, plus strand): 5'-AACGATTTCTGGTGTTTTTCTTTCCAACAGGTATTTGACATATTAAATGGGAAACCATAT[G>C]AGCCAGAGTTTACATCTGATGATTTACTAGCACAAGGTGGGTTGTGATAAAACCAGATTC-3'
Protein context (NP_003989.2, residues 785-805): VFDILNGKPY[Glu795Gln]PEFTSDDLLA

ClinVar aggregate classification (germline): Uncertain significance (1 of 4 stars; one submission).

Submission:

Labcorp Genetics (formerly Invitae), Labcorp
Classification: Uncertain significance. Last evaluated: 2022-09-13. Review status: criteria provided, single submitter. Criteria: Invitae Variant Classification Sherloc (09022015). Collection method: clinical testing. Allele origin: germline.
Comment: This variant has not been reported in the literature in individuals affected with NFKB1-related conditions. This sequence change replaces glutamic acid, which is acidic and polar, with glutamine, which is neutral and polar, at codon 795 of the NFKB1 protein (p.Glu795Gln). This variant is not present in population databases (gnomAD no frequency). Advanced modeling of protein sequence and biophysical properties (such as structural, functional, and spatial information, amino acid conservation, physicochemical variation, residue mobility, and thermodynamic stability) performed at Invitae indicates that this missense variant is not expected to disrupt NFKB1 protein function. In summary, the available evidence is currently insufficient to determine the role of this variant in disease. Therefore, it has been classified as a Variant of Uncertain Significance.